The following is an entry in ClinVar:

NM_018127.7(ELAC2):c.2308_2309del (p.Leu770fs)

Gene: ELAC2 (elaC ribonuclease Z 2; minus strand). Cytogenetic location: 17p12.
Variant type: Deletion.
Coding change: c.2308_2309del on transcript NM_018127.7 (MANE Select); coding-DNA positions 2308 to 2309, 2 bases deleted (CT; older notation c.2308_2309delCT).
Protein change: p.Leu770fs; shifts the reading frame from leucine 770.
Molecular consequence: frameshift variant.
Genome position (GRCh38, 1-based): chr17:12,992,990-12,992,991, AG deleted on the plus strand (CT on the coding strand, the reverse complement: ELAC2 is on the minus strand). VCF-style (leftmost placement, unchanged base first): chr17-12992989-CAG-C. GRCh37 (hg19) VCF-style: chr17-12896306-CAG-C.
Other names: c.2305_2306del, p.Leu769fs (NM_173717.2); c.2188_2189del, p.Leu730fs (NM_001165962.2); short protein forms L769fs, L730fs, L770fs.
Identifiers: ClinVar variation 1391192 (VCV001391192.3), dbSNP rs753154933, ClinGen allele CA8400837.

ClinVar aggregate classification (germline): Uncertain significance (1 of 4 stars; one submission).

Conditions:
Combined oxidative phosphorylation defect type 17. Also called: Combined oxidative phosphorylation deficiency 17. Identifiers: Orphanet 369913, MedGen C3809526, MONDO:0014190, OMIM 615440.

Allele frequency attached by ClinVar (database versions not stated): gnomAD exomes below 0.00001 and 0.00001; ExAC 0.00001.

Submission:

Labcorp Genetics (formerly Invitae), Labcorp
Classification: Uncertain significance for Combined oxidative phosphorylation defect type 17. Last evaluated: 2021-08-14. Review status: criteria provided, single submitter. Criteria: Invitae Variant Classification Sherloc (09022015). Collection method: clinical testing. Allele origin: germline.
Comment: This sequence change results in a frameshift in the ELAC2 gene (p.Leu770Valfs*98). While this is not anticipated to result in nonsense mediated decay, it is expected to disrupt the last 57 amino acid(s) of the ELAC2 protein and extend the protein by 40 additional amino acid residues. The frequency data for this variant in the population databases is considered unreliable, as metrics indicate poor data quality at this position in the ExAC database. This variant has not been reported in the literature in individuals affected with ELAC2-related conditions. Experimental studies and prediction algorithms are not available or were not evaluated, and the functional significance of this variant is currently unknown. In summary, the available evidence is currently insufficient to determine the role of this variant in disease. Therefore, it has been classified as a Variant of Uncertain Significance.